The following is an entry in ClinVar:

NM_001171.6(ABCC6):c.2294G>A (p.Arg765Gln)

Gene: ABCC6 (ATP binding cassette subfamily C member 6; minus strand). Cytogenetic location: 16p13.11.
Variant type: single nucleotide variant.
Coding change: c.2294G>A on transcript NM_001171.6 (MANE Select); coding-DNA position 2294, G replaced by A.
Protein change: p.Arg765Gln; replaces arginine 765 with glutamine.
Molecular consequence: missense variant. On other transcripts: non-coding transcript variant (1).
Genome position (GRCh38, 1-based): chr16:16,178,919, C>T on the plus strand (G>A on the coding strand, the complement: ABCC6 is on the minus strand). VCF-style: chr16-16178919-C-T. GRCh37 (hg19) VCF-style: chr16-16272776-C-T.
Other names: c.1952G>A, p.Arg651Gln (NM_001351800.1); short protein forms R765Q, R651Q.
Identifiers: ClinVar variation 30337 (VCV000030337.59), dbSNP rs67561842, ClinGen allele CA129120.

ClinVar aggregate classification (germline): Pathogenic/Likely pathogenic. Review status: criteria provided, multiple submitters, no conflicts (2 of 4 stars). 12 submissions from 11 submitters: Pathogenic (9); Likely pathogenic (1). 2 of the submissions do not count toward it. Last evaluated 2026-01-06.

Conditions:
Autosomal recessive ABCC6-related disorders.
ABCC6-related disorder. Also called: ABCC6-related condition.
Autosomal recessive inherited pseudoxanthoma elasticum (PXE). Identifiers: Orphanet 758, MedGen CN032334, MONDO:0009925, OMIM 264800.
Arterial calcification, generalized, of infancy, 2. Identifiers: Orphanet 51608, MedGen C3276161, MONDO:0013768, OMIM 614473.
Pseudoxanthoma elasticum, forme fruste. Also called: Pseudoxanthoma Elasticum, Incomplete; PSEUDOXANTHOMA ELASTICUM, HETEROZYGOUS. Identifiers: Orphanet 758, MedGen C1867450, MONDO:0008333, OMIM 177850.

Allele frequency attached by ClinVar (database versions not stated): TOPMed 0.00004; gnomAD 0.00005 and 0.00006; ExAC 0.00003.
gnomAD v4.1: 42 of 1,613,428 alleles (0.0026%); highest among the groups gnomAD compares: South Asian, 0.0066%; no homozygotes.

Submissions (12):

Labcorp Genetics (formerly Invitae), Labcorp
Classification: Pathogenic. Last evaluated: 2026-01-06. Review status: criteria provided, single submitter. Criteria: Invitae Variant Classification Sherloc (09022015). Collection method: clinical testing. Allele origin: germline.
Comment: This sequence change replaces arginine, which is basic and polar, with glutamine, which is neutral and polar, at codon 765 of the ABCC6 protein (p.Arg765Gln). This variant is present in population databases (rs67561842, gnomAD 0.02%). This missense change has been observed in individuals with pseudoxanthoma elasticum (PMID: 12673275, 30805891). It has also been observed to segregate with disease in related individuals. ClinVar contains an entry for this variant (Variation ID: 30337). Invitae Evidence Modeling of protein sequence and biophysical properties (such as structural, functional, and spatial information, amino acid conservation, physicochemical variation, residue mobility, and thermodynamic stability) indicates that this missense variant is expected to disrupt ABCC6 protein function with a positive predictive value of 95%. Experimental studies have shown that this missense change affects ABCC6 function (PMID: 30154241). This variant disrupts the p.Arg765 amino acid residue in ABCC6. Other variant(s) that disrupt this residue have been determined to be pathogenic (PMID: 18157818; internal data). This suggests that this residue is clinically significant, and that variants that disrupt this residue are likely to be disease-causing. For these reasons, this variant has been classified as Pathogenic.

Variantyx, Inc.
Classification: Pathogenic for Autosomal recessive ABCC6-related disorders. Last evaluated: 2025-11-21. Review status: criteria provided, single submitter. Criteria: Variantyx Assertion Criteria 2022. Collection method: clinical testing. Allele origin: germline. Inheritance: Autosomal recessive inheritance. Affected: no.
Comment: This is a nonsynonymous variant in the ABCC6 gene (OMIM: 603234). Pathogenic variants in this gene have been associated with autosomal recessive ABCC6-related disorders. This variant has been identified in the homozygous or compound heterozygous state in at least four individuals reported in the published literature (PMID: 12673275, 18157818, 34906475, 30905891),(PM3_Strong). Functional studies have shown that this variant alters ABCC6 protein function (PMID: 30154241) (PS3), and multiple computational algorithms predict a deleterious effect for this variant (REVEL score: 0.91) (PP3). Moreover, several alternate amino acid changes at this position (p.R765L, p.R765G, .R765W, p.R765P) have been previously reported in similarly affected individuals, which suggests that this residue is biologically important (PM5_Supporting). This variant has a 0.0066% maximum allele frequency in non-founder control populations (PM2). Based on the current evidence, this variant is classified as pathogenic for autosomal recessive ABCC6-related disorders.

First Genomix Gene Laboratory, Genetic Diagnostics Department
Classification: Pathogenic for Arterial calcification, generalized, of infancy, 2; Autosomal recessive inherited pseudoxanthoma elasticum. Last evaluated: 2025-03-20. Review status: criteria provided, single submitter. Criteria: ACMG Guidelines, 2015. Collection method: clinical testing. Allele origin: germline. Inheritance: Autosomal recessive inheritance. Affected: no. Observed: 1 variant allele.

SingHealth Duke-NUS Institute of Precision Medicine
Classification: Pathogenic for Autosomal recessive inherited pseudoxanthoma elasticum. Last evaluated: 2025-02-05. Review status: criteria provided, single submitter. Criteria: PRISM ACMG Classification Criteria. Collection method: clinical testing. Allele origin: germline. Affected: yes.
Comment: Variant is located in a mutational hotspot where >50% of variants are pathogenic (PM1). Homozygous allele count in gnomAD exomes and genomes are less than 0 (PM2). Other variants at this amino acid residue have been classified as pathogenic/likely pathogenic (PM5, p.Arg765Trp; p.Arg765Pro; p.Arg765Leu). REVEL score is 0.91 (PP3_mod). Experimental studies have shown that this missense change affects ABCC6 function (PS3, PMID: 30154241)

Fulgent Genetics
Classification: Pathogenic for Pseudoxanthoma elasticum, forme fruste; Autosomal recessive inherited pseudoxanthoma elasticum; Arterial calcification, generalized, of infancy, 2. Last evaluated: 2024-06-05. Review status: criteria provided, single submitter. Criteria: ACMG Guidelines, 2015. Collection method: clinical testing. Allele origin: germline.

Blueprint Genetics
Classification: Pathogenic for ABCC6-related disorders. Last evaluated: 2024-04-18. Review status: criteria provided, single submitter. Criteria: ACMG Guidelines, 2015. Collection method: clinical testing. Allele origin: germline. Affected: yes. Observed: 3 variant alleles.

Revvity Omics, Revvity
Classification: Pathogenic. Last evaluated: 2023-02-22. Review status: criteria provided, single submitter. Criteria: ACMG Guidelines, 2015. Collection method: clinical testing. Allele origin: germline.

PXE International
Classification: Pathogenic for Autosomal recessive inherited pseudoxanthoma elasticum. Last evaluated: 2021-03-01. Review status: criteria provided, single submitter. Criteria: Submitter's publication. Collection method: research. Allele origin: germline. Inheritance: Autosomal recessive inheritance. Affected: yes. Observed: 2 variant alleles.

CeGaT Center for Human Genetics Tuebingen
Classification: Pathogenic. Last evaluated: 2017-01-01. Review status: criteria provided, single submitter. Criteria: CeGaT Center For Human Genetics Tuebingen Variant Classification Criteria Version 2. Collection method: clinical testing. Allele origin: germline. Affected: yes. Observed: 1 variant allele.

Juno Genomics, Hangzhou Juno Genomics, Inc
Classification: Likely pathogenic for Autosomal recessive inherited pseudoxanthoma elasticum. Review status: criteria provided, single submitter. Criteria: ACMG Guidelines, 2015. Collection method: clinical testing. Allele origin: germline.
Comment: Absent from controls (or at extremely low frequency if recessive) in Genome Aggregation Database.;For recessive disorders, detected in trans with a pathogenic variant.;Patient's phenotype or family history is highly specific for a disease with a single genetic etiology.;Co-segregation with disease in multiple affected family members.;Well-established in vitro or in vivo functional studies supportive of a damaging effect on the gene or gene product.

OMIM
Classification: Pathogenic for PSEUDOXANTHOMA ELASTICUM. Last evaluated: 2010-01-01. Review status: no assertion criteria provided. Collection method: literature only. Allele origin: germline. Not counted in ClinVar's aggregate classification.

OMIM
Classification: Pathogenic for ARTERIAL CALCIFICATION, GENERALIZED, OF INFANCY, 2. Last evaluated: 2010-01-01. Review status: no assertion criteria provided. Collection method: literature only. Allele origin: germline. Not counted in ClinVar's aggregate classification.

Literature cited by the submitters: PubMed 12673275 (cited by Labcorp Genetics (formerly Invitae), Labcorp and Variantyx, Inc.); PubMed 30805891 (cited by Labcorp Genetics (formerly Invitae), Labcorp); PubMed 30154241 (cited by 3 submitters); PubMed 18157818 (cited by Labcorp Genetics (formerly Invitae), Labcorp and Variantyx, Inc.); PubMed 34906475 (cited by Variantyx, Inc.); PubMed 30905891 (cited by Variantyx, Inc.); PubMed 32873932 (cited by PXE International); PubMed 20034067 (cited by OMIM); PubMed 12384774 (cited by OMIM); PubMed 16086317 (cited by OMIM).